The following is an entry in ClinVar:

ClinVar aggregate classification (germline): Uncertain significance (1 of 4 stars; one submission).

Conditions:
Nemaline myopathy 8 (NEM8). Also called: Nemaline myopathy 8, autosomal recessive. Identifiers: Orphanet 171430, MedGen C3809209, MONDO:0014138, OMIM 615348.

Allele frequency attached by ClinVar (database versions not stated): ExAC 0.00001; gnomAD exomes 0.00001.

Submission:

Labcorp Genetics (formerly Invitae), Labcorp
Classification: Uncertain significance for Nemaline myopathy 8. Last evaluated: 2025-11-27. Review status: criteria provided, single submitter. Criteria: Invitae Variant Classification Sherloc (09022015). Collection method: clinical testing. Allele origin: germline.
Comment: This sequence change replaces serine, which is neutral and polar, with threonine, which is neutral and polar, at codon 439 of the KLHL40 protein (p.Ser439Thr). The frequency data for this variant in the population databases is considered unreliable, as metrics indicate poor data quality at this position in the gnomAD database. This variant has not been reported in the literature in individuals affected with KLHL40-related conditions. ClinVar contains an entry for this variant (Variation ID: 1936543). An algorithm developed to predict the effect of missense changes on protein structure and function (PolyPhen-2) suggests that this variant is likely to be tolerated. In summary, the available evidence is currently insufficient to determine the role of this variant in disease. Therefore, it has been classified as a Variant of Uncertain Significance.

NM_152393.4(KLHL40):c.1315T>A (p.Ser439Thr)

Gene: KLHL40 (kelch like family member 40; plus strand). Cytogenetic location: 3p22.1.
Variant type: single nucleotide variant.
Coding change: c.1315T>A on transcript NM_152393.4 (MANE Select); coding-DNA position 1315, T replaced by A.
Protein change: p.Ser439Thr; replaces serine 439 with threonine.
Molecular consequence: missense variant.
Genome position (GRCh38, 1-based): chr3:42,688,611, T>A. VCF-style: chr3-42688611-T-A. GRCh37 (hg19) VCF-style: chr3-42730103-T-A.
Other names: short protein forms S439T.
Identifiers: ClinVar variation 1936543 (VCV001936543.5), dbSNP rs764070546, ClinGen allele CA2336922.
Genomic context (GRCh38, chr3:42,688,611, plus strand): 5'-AGGGACTGAGCCGAGCCTGGATGGGTGCCCTCCCCCACCCCCACTCCCGTCTCCTCCAGG[T>A]CATTCAAATGGGGTGAATCGGACCCGCTGCCTTACGTGGTGTATGGCCACACAGTGCTCT-3'
Protein context (NP_689606.2, residues 429-449): LDSVMCYDRL[Ser439Thr]FKWGESDPLP